The following is an entry in ClinVar:

ClinVar aggregate classification (germline): Uncertain significance. Review status: criteria provided, multiple submitters, no conflicts (2 of 4 stars). 2 submissions from 2 submitters: Uncertain significance (2). Last evaluated 2024-10-10.

Conditions:
Myoclonic epilepsy, juvenile, susceptibility to, 1. Also called: Myoclonic Epilepsy, Juvenile, 1; EJM1. Identifiers: MedGen C1850778, MONDO:0020752, OMIM 254770.
Absence seizure. Also called: Absence epilepsy. Identifiers: Orphanet 1941, MedGen C0014553.

Allele frequency attached by ClinVar (database versions not stated): ExAC 0.00001; gnomAD 0.00001 and 0.00002; gnomAD exomes 0.00002 and 0.00004; TOPMed 0.00003.

Submissions (2):

Blueprint Genetics
Classification: Uncertain significance. Last evaluated: 2024-10-10. Review status: criteria provided, single submitter. Criteria: ACMG Guidelines, 2015. Collection method: clinical testing. Allele origin: germline.

Labcorp Genetics (formerly Invitae), Labcorp
Classification: Uncertain significance for Myoclonic epilepsy, juvenile, susceptibility to, 1; Absence seizure. Last evaluated: 2020-12-08. Review status: criteria provided, single submitter. Criteria: Invitae Variant Classification Sherloc (09022015). Collection method: clinical testing. Allele origin: germline.
Comment: In summary, the available evidence is currently insufficient to determine the role of this variant in disease. Therefore, it has been classified as a Variant of Uncertain Significance. Algorithms developed to predict the effect of missense changes on protein structure and function (SIFT, PolyPhen-2, Align-GVGD) all suggest that this variant is likely to be disruptive, but these predictions have not been confirmed by published functional studies and their clinical significance is uncertain. This variant has not been reported in the literature in individuals with EFHC1-related conditions. ClinVar contains an entry for this variant (Variation ID: 205410). This variant is present in population databases (rs201261630, ExAC 0.001%). This sequence change replaces tyrosine with cysteine at codon 484 of the EFHC1 protein (p.Tyr484Cys). The tyrosine residue is highly conserved and there is a large physicochemical difference between tyrosine and cysteine.

NM_018100.4(EFHC1):c.1451A>G (p.Tyr484Cys)

Gene: EFHC1 (EF-hand domain containing 1; plus strand). Cytogenetic location: 6p12.2.
Variant type: single nucleotide variant.
Coding change: c.1451A>G on transcript NM_018100.4 (MANE Select); coding-DNA position 1451, A replaced by G.
Protein change: p.Tyr484Cys; replaces tyrosine 484 with cysteine.
Molecular consequence: missense variant. On other transcripts: non-coding transcript variant (1).
Genome position (GRCh38, 1-based): chr6:52,479,209, A>G. VCF-style: chr6-52479209-A-G. GRCh37 (hg19) VCF-style: chr6-52344007-A-G.
Other names: c.1394A>G, p.Tyr465Cys (NM_001172420.2); short protein forms Y484C, Y465C.
Identifiers: ClinVar variation 205410 (VCV000205410.17), dbSNP rs201261630, ClinGen allele CA314454.